The following is an entry in ClinVar:

NM_017763.6(RNF43):c.1934C>T (p.Ser645Phe)

Gene: RNF43 (ring finger protein 43; minus strand). Cytogenetic location: 17q22.
Variant type: single nucleotide variant.
Coding change: c.1934C>T on transcript NM_017763.6 (MANE Select); coding-DNA position 1934, C replaced by T.
Protein change: p.Ser645Phe; replaces serine 645 with phenylalanine.
Molecular consequence: missense variant.
Genome position (GRCh38, 1-based): chr17:58,357,842, G>A on the plus strand (C>T on the coding strand, the complement: RNF43 is on the minus strand). VCF-style: chr17-58357842-G-A. GRCh37 (hg19) VCF-style: chr17-56435203-G-A.
Other names: c.1934C>T, p.Ser645Phe (NM_001305544.3, NM_001438820.1, NM_001438821.1 and 1 more transcripts); c.1553C>T, p.Ser518Phe (NM_001305545.2, NM_001437987.1); short protein forms S518F, S645F.
Identifiers: ClinVar variation 4155778 (VCV004155778.1).

ClinVar aggregate classification (germline): Uncertain significance (1 of 4 stars; one submission).

Submission:

Ambry Genetics
Classification: Uncertain significance. Last evaluated: 2025-08-12. Review status: criteria provided, single submitter. Criteria: Ambry Variant Classification Scheme 2023. Collection method: clinical testing. Allele origin: germline.
Comment: The p.S645F variant (also known as c.1934C>T), located in coding exon 8 of the RNF43 gene, results from a C to T substitution at nucleotide position 1934. The serine at codon 645 is replaced by phenylalanine, an amino acid with highly dissimilar properties. This amino acid position is conserved. In addition, this alteration is predicted to be tolerated by in silico analysis. Based on the available evidence, the clinical significance of this variant remains unclear.